The following is an entry in ClinVar:

ClinVar aggregate classification (germline): Pathogenic (1 of 4 stars; one submission).

Submission:

Labcorp Genetics (formerly Invitae), Labcorp
Classification: Pathogenic. Last evaluated: 2022-06-29. Review status: criteria provided, single submitter. Criteria: Invitae Variant Classification Sherloc (09022015). Collection method: clinical testing. Allele origin: germline.
Comment: This variant is a gross deletion of the genomic region encompassing exon(s) 16 of the EYS gene. This deletion is out-of-frame, and is expected to create a premature termination codon and result in an absent or disrupted protein product. Loss-of-function variants in EYS are known to be pathogenic (PMID: 18836446, 20333770). This variant has not been reported in the literature in individuals affected with EYS-related conditions. For these reasons, this variant has been classified as Pathogenic.

Literature cited by the submitters: PubMed 18836446; PubMed 20333770.

NC_000006.11:g.(?_65622357)_(65622656_?)del

Gene: EYS (eyes shut homolog; minus strand). Cytogenetic location: 6q12.
Variant type: Deletion.
Identifiers: ClinVar variation 1072822 (VCV001072822.2).